The following is an entry in ClinVar:

NM_153700.2(STRC):c.4561C>T (p.Arg1521Trp)

Gene: STRC (stereocilin; minus strand). Cytogenetic location: 15q15.3.
Variant type: single nucleotide variant.
Coding change: c.4561C>T on transcript NM_153700.2 (MANE Select); coding-DNA position 4561, C replaced by T.
Protein change: p.Arg1521Trp; replaces arginine 1521 with tryptophan.
Molecular consequence: missense variant.
Genome position (GRCh38, 1-based): chr15:43,601,536, G>A on the plus strand (C>T on the coding strand, the complement: STRC is on the minus strand). VCF-style: chr15-43601536-G-A. GRCh37 (hg19) VCF-style: chr15-43893734-G-A.
Other names: short protein forms R1521W.
Identifiers: ClinVar variation 165306 (VCV000165306.14), dbSNP rs138763871, ClinGen allele CA178043.

ClinVar aggregate classification (germline): Benign/Likely benign. Review status: criteria provided, multiple submitters, no conflicts (2 of 4 stars). 3 submissions from 3 submitters: Benign (2); Likely benign (1). Last evaluated 2026-09-01.

Allele frequency attached by ClinVar (database versions not stated): TOPMed 0.00198; 1000 Genomes Project 30x 0.00203; 1000 Genomes Project 0.00240; ESP Exome Variant Server 0.00254; gnomAD 0.00764.
gnomAD v4.1: 5,684 of 1,611,700 alleles (0.35%); highest among the groups gnomAD compares: Middle Eastern, 0.33%; 115 homozygotes.

Submissions (3):

CeGaT Center for Human Genetics Tuebingen
Classification: Likely benign. Last evaluated: 2026-09-01. Review status: criteria provided, single submitter. Criteria: CeGaT Center For Human Genetics Tuebingen Variant Classification Criteria Version 2. Collection method: clinical testing. Allele origin: germline. Affected: yes. Observed: 3 variant alleles.
Comment: STRC: BS2

Laboratory for Molecular Medicine, Mass General Brigham Personalized Medicine
Classification: Benign. Last evaluated: 2015-05-03. Review status: criteria provided, single submitter. Criteria: LMM Criteria. Collection method: clinical testing. Allele origin: germline. Observed: 8 variant alleles.
Comment: p.Arg1521Trp in exon 24 of STRC: This variant is not expected to have clinical s ignificance because it has been identified in 3.9% (254/6588) of Finnish chromos omes including 8 homozygotes by the Exome Aggregation Consortium (ExAC; dbSNP rs138763871), and the arginine (Arg) residue at po sition 1521 is not conserved through species.

Breakthrough Genomics
Classification: Benign. Review status: criteria provided, single submitter. Criteria: ACMG Guidelines, 2015. Collection method: not provided. Allele origin: germline. Inheritance: Autosomal recessive inheritance. Affected: yes.